The following is an entry in ClinVar:

NM_016169.4(SUFU):c.964C>G (p.Pro322Ala)

Gene: SUFU (SUFU negative regulator of hedgehog signaling; plus strand). Cytogenetic location: 10q24.32.
Variant type: single nucleotide variant.
Coding change: c.964C>G on transcript NM_016169.4 (MANE Select); coding-DNA position 964, C replaced by G.
Protein change: p.Pro322Ala; replaces proline 322 with alanine.
Molecular consequence: missense variant.
Genome position (GRCh38, 1-based): chr10:102,599,486, C>G. VCF-style: chr10-102599486-C-G. GRCh37 (hg19) VCF-style: chr10-104359243-C-G.
Other names: c.964C>G, p.Pro322Ala (NM_001178133.2); short protein forms P322A.
Identifiers: ClinVar variation 2938032 (VCV002938032.4), dbSNP rs765142948, ClinGen allele CA5667827.
Genomic context (GRCh38, chr10:102,599,486, plus strand): 5'-GTTGCAGACACAGAGCAGATCCGGGAGACCCTGAGGAGAGGACTCGAGATCAACAGCAAA[C>G]CTGTCCTTCCACCAATCAACCCTCAGCGGCAGAATGGCCTCGCCCACGACCGGGCCCCGT-3'
Protein context (NP_057253.2, residues 312-332): LRRGLEINSK[Pro322Ala]VLPPINPQRQ

ClinVar aggregate classification (germline): Uncertain significance. Review status: criteria provided, multiple submitters, no conflicts (2 of 4 stars). 2 submissions from 2 submitters: Uncertain significance (2). Last evaluated 2024-09-09.

Conditions:
Medulloblastoma (MDB). Also called: Medulloblastoma, somatic; MEDULLOBLASTOMA PREDISPOSITION SYNDROME. Identifiers: Orphanet 616, MedGen C0025149, MeSH D008527, MONDO:0007959, OMIM 155255, HP:0002885.
Gorlin syndrome. Also called: Basal cell nevus syndrome; Nevoid Basal Cell Carcinoma Syndrome. Identifiers: Orphanet 377, MedGen C0004779, MONDO:0007187.
Hereditary cancer-predisposing syndrome. Also called: Neoplastic Syndromes, Hereditary; Tumor predisposition; Hereditary Cancer Syndrome; Hereditary neoplastic syndrome. Identifiers: Orphanet 140162, MedGen C0027672, MeSH D009386, MONDO:0015356.

Allele frequency attached by ClinVar (database versions not stated): ExAC 0.00001; gnomAD exomes 0.00001.

Submissions (2):

Ambry Genetics
Classification: Uncertain significance for Hereditary cancer-predisposing syndrome. Last evaluated: 2024-09-09. Review status: criteria provided, single submitter. Criteria: Ambry Variant Classification Scheme 2023. Collection method: clinical testing. Allele origin: germline.
Comment: The p.P322A variant (also known as c.964C>G), located in coding exon 8 of the SUFU gene, results from a C to G substitution at nucleotide position 964. The proline at codon 322 is replaced by alanine, an amino acid with highly similar properties. This amino acid position is conserved. In addition, this alteration is predicted to be tolerated by in silico analysis. Based on the available evidence, the clinical significance of this variant remains unclear.

Labcorp Genetics (formerly Invitae), Labcorp
Classification: Uncertain significance for Gorlin syndrome; Medulloblastoma. Last evaluated: 2023-03-24. Review status: criteria provided, single submitter. Criteria: Invitae Variant Classification Sherloc (09022015). Collection method: clinical testing. Allele origin: germline.
Comment: Advanced modeling of protein sequence and biophysical properties (such as structural, functional, and spatial information, amino acid conservation, physicochemical variation, residue mobility, and thermodynamic stability) performed at Invitae indicates that this missense variant is not expected to disrupt SUFU protein function. This sequence change replaces proline, which is neutral and non-polar, with alanine, which is neutral and non-polar, at codon 322 of the SUFU protein (p.Pro322Ala). This variant is present in population databases (rs765142948, gnomAD 0.003%). This variant has not been reported in the literature in individuals affected with SUFU-related conditions. In summary, the available evidence is currently insufficient to determine the role of this variant in disease. Therefore, it has been classified as a Variant of Uncertain Significance.